The following is an entry in ClinVar:

NM_003850.3(SUCLA2):c.900G>A (p.Arg300=)

Gene: SUCLA2 (succinate-CoA ligase ADP-forming subunit beta; minus strand). Cytogenetic location: 13q14.2.
Variant type: single nucleotide variant.
Coding change: c.900G>A on transcript NM_003850.3 (MANE Select); coding-DNA position 900, G replaced by A.
Protein change: p.Arg300=; no amino-acid change (arginine 300 retained).
Molecular consequence: synonymous variant.
Genome position (GRCh38, 1-based): chr13:47,954,460, C>T on the plus strand (G>A on the coding strand, the complement: SUCLA2 is on the minus strand). VCF-style: chr13-47954460-C-T. GRCh37 (hg19) VCF-style: chr13-48528595-C-T.
Other names: c.900G>A (NM_003850.2).
Identifiers: ClinVar variation 2141564 (VCV002141564.6), dbSNP rs1344893738, ClinGen allele CA483739873.
Genomic context (GRCh38, chr13:47,954,460, plus strand): 5'-GCAGCCTATATTTCCATCGAGGCCAATGTAGTTGAGATTTGCCTTAGCAGCATCTTTGTC[C>T]CTTTCATCTTCCTGGGTCCAGTCCTGTAGATCAAAGATTTTCTTTTGGCGATAGGCTGAA-3'
Protein context (NP_003841.1, residues 290-310): DLQDWTQEDE[Arg300=]DKDAAKANLN

ClinVar aggregate classification (germline): Likely benign. Review status: criteria provided, single submitter (1 of 4 stars). 2 submissions from 2 submitters: Likely benign (1). 1 of the submissions does not count toward it. Last evaluated 2025-08-21.

Conditions:
SUCLA2-related disorder. Also called: SUCLA2-related condition.
Mitochondrial DNA depletion syndrome, encephalomyopathic form with methylmalonic aciduria (MTDPS5). Also called: SUCLA2-Related Mitochondrial DNA Depletion Syndrome, Encephalomyopathic Form with Methylmalonic Aciduria; Mitochondrial encephalomyopathy aminoacidopathy; MITOCHONDRIAL DNA DEPLETION SYNDROME, ENCEPHALOMYOPATHIC FORM, WITH OR WITHOUT METHYLMALONIC ACIDURIA, AUTOSOMAL RECESSIVE, SUCLA2-RELATED; Mitochondrial DNA depletion syndrome 5 (encephalomyopathic with or without methylmalonic aciduria). Identifiers: Orphanet 1933, MedGen C5980207, MONDO:0012791, OMIM 612073.

Allele frequency attached by ClinVar (database versions not stated): gnomAD exomes below 0.00001; gnomAD 0.00002; TOPMed 0.00002.
gnomAD v4.1: 7 of 1,613,810 alleles (0.00043%); highest among the groups gnomAD compares: African/African-American, 0.008%; no homozygotes.

Submissions (2):

Labcorp Genetics (formerly Invitae), Labcorp
Classification: Likely benign for Mitochondrial DNA depletion syndrome, encephalomyopathic form with methylmalonic aciduria. Last evaluated: 2025-08-21. Review status: criteria provided, single submitter. Criteria: Invitae Variant Classification Sherloc (09022015). Collection method: clinical testing. Allele origin: germline.

PreventionGenetics, part of Exact Sciences
Classification: Likely benign for SUCLA2-related condition. Last evaluated: 2021-05-17. Review status: no assertion criteria provided. Collection method: clinical testing. Allele origin: germline. Not counted in ClinVar's aggregate classification.
Comment: This variant is classified as likely benign based on ACMG/AMP sequence variant interpretation guidelines (Richards et al. 2015 PMID: 25741868, with internal and published modifications).